The following is an entry in ClinVar:

ClinVar aggregate classification (germline): Uncertain significance (1 of 4 stars; one submission).

Conditions:
Cardiovascular phenotype. Identifiers: MedGen CN230736.

Submission:

Ambry Genetics
Classification: Uncertain significance for Cardiovascular phenotype. Last evaluated: 2024-09-20. Review status: criteria provided, single submitter. Criteria: Ambry Variant Classification Scheme 2023. Collection method: clinical testing. Allele origin: germline.
Comment: The p.A1170D variant (also known as c.3509C>A), located in coding exon 2 of the ZNF469 gene, results from a C to A substitution at nucleotide position 3509. The alanine at codon 1170 is replaced by aspartic acid, an amino acid with dissimilar properties. This amino acid position is conserved. In addition, this alteration is predicted to be tolerated by in silico analysis. Based on the available evidence, the clinical significance of this variant remains unclear.

NM_001367624.2(ZNF469):c.3593C>A (p.Ala1198Asp)

Gene: ZNF469 (zinc finger protein 469; plus strand). Cytogenetic location: 16q24.2.
Variant type: single nucleotide variant.
Coding change: c.3593C>A on transcript NM_001367624.2 (MANE Select); coding-DNA position 3593, C replaced by A.
Protein change: p.Ala1198Asp; replaces alanine 1198 with aspartic acid.
Molecular consequence: missense variant.
Genome position (GRCh38, 1-based): chr16:88,431,063, C>A. VCF-style: chr16-88431063-C-A. GRCh37 (hg19) VCF-style: chr16-88497471-C-A.
Other names: NM_001127464.1:c.3509C>A; short protein forms A1198D.
Identifiers: ClinVar variation 3476220 (VCV003476220.1).
Genomic context (GRCh38, chr16:88,431,063, plus strand): 5'-TGGAGACGGGAGCGGCCGCCAGGGAGGGAGGCCCCAAGTGTGCTGATCGCCCCTCAGTGG[C>A]CCCCAAGGATCCCCTGCAGGTCCCCACCAACACCGAGACCTCAGAGGAAACCCGCCCGTC-3'
Protein context (NP_001354553.1, residues 1188-1208): GPKCADRPSV[Ala1198Asp]PKDPLQVPTN